The following is an entry in ClinVar:

ClinVar aggregate classification (germline): Likely benign. Review status: criteria provided, multiple submitters, no conflicts (2 of 4 stars). 3 submissions from 3 submitters: Likely benign (2). 1 of the submissions does not count toward it. Last evaluated 2025-10-27.

Conditions:
PHOX2B-related disorder. Also called: PHOX2B-related condition.
Haddad syndrome (OHD). Also called: Ondine-Hirschsprung disease. Identifiers: Orphanet 99803, MedGen C1859049, MONDO:0020493.
Hereditary cancer-predisposing syndrome. Also called: Hereditary Cancer Syndrome; Tumor predisposition; Neoplastic Syndromes, Hereditary; Hereditary neoplastic syndrome. Identifiers: Orphanet 140162, MedGen C0027672, MeSH D009386, MONDO:0015356.

Allele frequency attached by ClinVar (database versions not stated): TOPMed 0.00001.
gnomAD v4.1: 37 of 1,120,982 alleles (0.0033%); highest among the groups gnomAD compares: African/African-American, 0.01%; no homozygotes.

Submissions (3):

Labcorp Genetics (formerly Invitae), Labcorp
Classification: Likely benign for Haddad syndrome. Last evaluated: 2025-10-27. Review status: criteria provided, single submitter. Criteria: Invitae Variant Classification Sherloc (09022015). Collection method: clinical testing. Allele origin: germline.

Ambry Genetics
Classification: Likely benign for Hereditary cancer-predisposing syndrome. Last evaluated: 2022-04-19. Review status: criteria provided, single submitter. Criteria: Ambry Variant Classification Scheme 2023. Collection method: clinical testing. Allele origin: germline.

PreventionGenetics, part of Exact Sciences
Classification: Likely benign for PHOX2B-related condition. Last evaluated: 2020-07-20. Review status: no assertion criteria provided. Collection method: clinical testing. Allele origin: germline. Not counted in ClinVar's aggregate classification.
Comment: This variant is classified as likely benign based on ACMG/AMP sequence variant interpretation guidelines (Richards et al. 2015 PMID: 25741868, with internal and published modifications).

NM_003924.4(PHOX2B):c.744G>C (p.Ala248=)

Genes: PHOX2B (paired like homeobox 2B; minus strand), LOC110011216 (paired like homeobox 2b polyalanine repeat instability region; plus strand). Cytogenetic location: 4p13.
Variant type: single nucleotide variant.
Coding change: c.744G>C on transcript NM_003924.4 (MANE Select); coding-DNA position 744, G replaced by C.
Protein change: p.Ala248=; no amino-acid change (alanine 248 retained).
Molecular consequence: synonymous variant.
Genome position (GRCh38, 1-based): chr4:41,746,008, C>G on the plus strand (G>C on the coding strand, the complement: PHOX2B is on the minus strand). VCF-style: chr4-41746008-C-G. GRCh37 (hg19) VCF-style: chr4-41748025-C-G.
Identifiers: ClinVar variation 703424 (VCV000703424.16), dbSNP rs758533453, ClinGen allele CA439143061.